The following is an entry in ClinVar:

ClinVar aggregate classification (germline): Uncertain significance (1 of 4 stars; one submission).

Conditions:
Anauxetic dysplasia. Identifiers: Orphanet 93347, MedGen C1846796, MONDO:0011773.

Allele frequency attached by ClinVar (database versions not stated): gnomAD exomes 0.00001.

Submission:

Labcorp Genetics (formerly Invitae), Labcorp
Classification: Uncertain significance for Anauxetic dysplasia. Last evaluated: 2020-03-18. Review status: criteria provided, single submitter. Criteria: Invitae Variant Classification Sherloc (09022015). Collection method: clinical testing. Allele origin: germline.
Comment: This variant has not been reported in the literature in individuals with RMRP-related conditions. In summary, the available evidence is currently insufficient to determine the role of this variant in disease. Therefore, it has been classified as a Variant of Uncertain Significance. Experimental studies and prediction algorithms are not available for this variant, and the functional significance of this non-coding change is currently unknown. The frequency data for this variant in the population databases is considered unreliable, as metrics indicate insufficient coverage at this position in the ExAC database. This variant occurs in the RMRP gene, which encodes an RNA molecule that does not result in a protein product.

NR_003051.4(RMRP):n.42_56dup

Gene: RMRP (RNA component of mitochondrial RNA processing endoribonuclease; minus strand). Cytogenetic location: 9p13.3.
Variant type: Duplication.
Genome position: GRCh38 VCF-style: chr9-35657963-G-GGGGAGGAACAGAGTC. GRCh37 (hg19) VCF-style: chr9-35657960-G-GGGGAGGAACAGAGTC.
Identifiers: ClinVar variation 1018390 (VCV001018390.7), dbSNP rs1823624249, ClinGen allele CA1846127608.
Genomic context (GRCh38, chr9:35,657,963, plus strand): 5'-ACGTGCGTATGCACGTGGCACTCTCTGCCCGAGGTCCGGGGACTTTCCCCTAGGCGGAAA[G>GGGGAGGAACAGAGTC]GGGAGGAACAGAGTCCTCAGTGTGTAGCCTAGGATACAGGCCTTCAGCACGAACCACGTC-3'